The following is an entry in ClinVar:

ClinVar aggregate classification (germline): Uncertain significance (1 of 4 stars; one submission).

Conditions:
Hereditary cancer-predisposing syndrome. Also called: Tumor predisposition; Hereditary Cancer Syndrome; Hereditary neoplastic syndrome; Neoplastic Syndromes, Hereditary. Identifiers: Orphanet 140162, MedGen C0027672, MeSH D009386, MONDO:0015356.

Submission:

Ambry Genetics
Classification: Uncertain significance for Hereditary cancer-predisposing syndrome. Last evaluated: 2024-06-18. Review status: criteria provided, single submitter. Criteria: Ambry Variant Classification Scheme 2023. Collection method: clinical testing. Allele origin: germline.
Comment: The p.I907M variant (also known as c.2721A>G), located in coding exon 16 of the DICER1 gene, results from an A to G substitution at nucleotide position 2721. The isoleucine at codon 907 is replaced by methionine, an amino acid with highly similar properties. This amino acid position is conserved. In addition, this alteration is predicted to be tolerated by in silico analysis. Based on the available evidence, the clinical significance of this variant remains unclear.

NM_177438.3(DICER1):c.2721A>G (p.Ile907Met)

Gene: DICER1 (dicer 1, ribonuclease III; minus strand). Cytogenetic location: 14q32.13.
Variant type: single nucleotide variant.
Coding change: c.2721A>G on transcript NM_177438.3 (MANE Select); coding-DNA position 2721, A replaced by G.
Protein change: p.Ile907Met; replaces isoleucine 907 with methionine.
Molecular consequence: missense variant. On other transcripts: non-coding transcript variant (6).
Genome position (GRCh38, 1-based): chr14:95,107,691, T>C on the plus strand (A>G on the coding strand, the complement: DICER1 is on the minus strand). VCF-style: chr14-95107691-T-C. GRCh37 (hg19) VCF-style: chr14-95574028-T-C.
Other names: c.2721A>G, p.Ile907Met (NM_001195573.1, NM_001271282.3, NM_001291628.2 and 12 more transcripts); c.2439A>G, p.Ile813Met (NM_001395686.1); c.2316A>G, p.Ile772Met (NM_001395687.1, NM_001395688.1, NM_001395689.1 and 2 more transcripts); c.2154A>G, p.Ile718Met (NM_001395691.1); c.1038A>G, p.Ile346Met (NM_001395697.1); short protein forms I346M, I772M, I813M, I907M, I718M.
Identifiers: ClinVar variation 3272054 (VCV003272054.1).
Genomic context (GRCh38, chr14:95,107,691, plus strand): 5'-GTAATCTTCTAATTTAAAAACAAAGGGTGTTTCTTTTGTATACTTTGTACTGGGAATGCC[T>C]ATGCGAGCTTCAGACTTCTCAATATCTTCCATGAATTTAAAGTCAATATCCAAAGTGCTG-3'
Protein context (NP_803187.1, residues 897-917): MEDIEKSEAR[Ile907Met]GIPSTKYTKE